The following is an entry in ClinVar:

NM_001875.5(CPS1):c.2394C>A (p.Val798=)

Gene: CPS1 (carbamoyl-phosphate synthase 1; plus strand). Cytogenetic location: 2q34.
Variant type: single nucleotide variant.
Coding change: c.2394C>A on transcript NM_001875.5 (MANE Select); coding-DNA position 2394, C replaced by A.
Protein change: p.Val798=; no amino-acid change (valine 798 retained).
Molecular consequence: synonymous variant. On other transcripts: non-coding transcript variant (2).
Genome position (GRCh38, 1-based): chr2:210,612,119, C>A. VCF-style: chr2-210612119-C-A. GRCh37 (hg19) VCF-style: chr2-211476843-C-A.
Other names: c.2394C>A (LRG_336t1); c.2394C>A, p.Val798= (NM_001122633.3, NM_001369257.1); c.2427C>A, p.Val809= (NM_001369256.1).
Identifiers: ClinVar variation 334027 (VCV000334027.17), dbSNP rs35678745, ClinGen allele CA2086632.

ClinVar aggregate classification (germline): Benign. Review status: criteria provided, multiple submitters, no conflicts (2 of 4 stars). 4 submissions from 4 submitters: Benign (4). Last evaluated 2026-01-25.

Conditions:
Congenital hyperammonemia, type I. Also called: CPS I DEFICIENCY; Carbamoyl phosphate synthetase 1 deficiency; Hyperammonemia due to carbamoyl phosphate synthetase 1 deficiency; CPS 1 deficiency; Carbamyl phosphate synthetase (CPS) deficiency; Carbamoyl phosphate synthetase I deficiency disease. Identifiers: Orphanet 147, MedGen C4082171, MONDO:0009376, OMIM 237300.

Allele frequency attached by ClinVar (database versions not stated): gnomAD exomes 0.00076 and 0.00205; ExAC 0.00251; gnomAD 0.00774 and 0.00828; ESP Exome Variant Server 0.00830; 1000 Genomes Project 30x 0.00874; TOPMed 0.00900; 1000 Genomes Project 0.00958.
gnomAD v4.1: 2,328 of 1,611,646 alleles (0.14%); highest among the groups gnomAD compares: African/African-American, 2.6%; 28 homozygotes.

Submissions (6):

Labcorp Genetics (formerly Invitae), Labcorp
Classification: Benign for Congenital hyperammonemia, type I. Last evaluated: 2026-01-25. Review status: criteria provided, single submitter. Criteria: Invitae Variant Classification Sherloc (09022015). Collection method: clinical testing. Allele origin: germline.

Illumina Laboratory Services, Illumina
Classification: Benign for Congenital hyperammonemia, type I. Last evaluated: 2018-01-12. Review status: criteria provided, single submitter. Criteria: ICSL Variant Classification Criteria 13 December 2019. Collection method: clinical testing. Allele origin: germline.
Comment: This variant was observed in the ICSL laboratory as part of a predisposition screen in an ostensibly healthy population. It had not been previously curated by ICSL or reported in the Human Gene Mutation Database (HGMD: prior to June 1st, 2018), and was therefore a candidate for classification through an automated scoring system. Utilizing variant allele frequency, disease prevalence and penetrance estimates, and inheritance mode, an automated score was calculated to assess if this variant is too frequent to cause the disease. Based on the score and internal cut-off values, a variant classified as benign is not then subjected to further curation. The score for this variant resulted in a classification of benign for this disease.

GeneDx
Classification: Benign. Last evaluated: 2016-07-12. Review status: criteria provided, single submitter. Criteria: GeneDx Variant Classification (06012015). Collection method: clinical testing. Allele origin: germline. Affected: yes.
Comment: This variant is considered likely benign or benign based on one or more of the following criteria: it is a conservative change, it occurs at a poorly conserved position in the protein, it is predicted to be benign by multiple in silico algorithms, and/or has population frequency not consistent with disease.

Breakthrough Genomics
Classification: Benign. Review status: criteria provided, single submitter. Criteria: ACMG Guidelines, 2015. Collection method: not provided. Allele origin: germline. Inheritance: Autosomal recessive inheritance. Affected: yes.

Dr. Peter K. Rogan Lab, Western University
No classification provided (evidence only). Condition: Uterine corpus endometrial carcinoma. Review status: no classification provided. Collection method: in vitro. Allele origin: not applicable. Functional consequence: retained intron. Not counted in ClinVar's aggregate classification.

Dr. Peter K. Rogan Lab, Western University
No classification provided (evidence only). Condition: Hepatocellular carcinoma. Review status: no classification provided. Collection method: in vitro. Allele origin: not applicable. Functional consequence: skipped exon. Not counted in ClinVar's aggregate classification.